The following is an entry in ClinVar:

ClinVar aggregate classification (germline): Pathogenic (1 of 4 stars; one submission).

Submission:

Labcorp Genetics (formerly Invitae), Labcorp
Classification: Pathogenic. Last evaluated: 2022-05-08. Review status: criteria provided, single submitter. Criteria: Invitae Variant Classification Sherloc (09022015). Collection method: clinical testing. Allele origin: germline.
Comment: This variant has not been reported in the literature in individuals affected with ABCC6-related conditions. This sequence change creates a premature translational stop signal (p.Arg1113Glufs*17) in the ABCC6 gene. It is expected to result in an absent or disrupted protein product. Loss-of-function variants in ABCC6 are known to be pathogenic (PMID: 11536079, 17617515). This variant is not present in population databases (gnomAD no frequency). Algorithms developed to predict the effect of sequence changes on RNA splicing suggest that this variant may disrupt the consensus splice site. For these reasons, this variant has been classified as Pathogenic.

Literature cited by the submitters: PubMed 11536079; PubMed 17617515.

NM_001171.6(ABCC6):c.3335dup (p.Arg1113fs)

Gene: ABCC6 (ATP binding cassette subfamily C member 6; minus strand). Cytogenetic location: 16p13.11.
Variant type: Duplication.
Coding change: c.3335dup on transcript NM_001171.6 (MANE Select); coding-DNA position 3335, one base duplicated (T; older notation c.3335dupT).
Protein change: p.Arg1113fs; shifts the reading frame from arginine 1113.
Molecular consequence: frameshift variant.
Genome position (GRCh38, 1-based): chr16:16,163,164, A duplicated on the plus strand (T on the coding strand, the reverse complement: ABCC6 is on the minus strand). VCF-style (leftmost placement, unchanged base first): chr16-16163163-C-CA. GRCh37 (hg19) VCF-style: chr16-16257020-C-CA.
Other names: c.2993dup, p.Arg999fs (NM_001351800.1); short protein forms R1113fs, R999fs.
Identifiers: ClinVar variation 2135683 (VCV002135683.4), dbSNP rs2510963347, ClinGen allele CA2580090836.